The following is an entry in ClinVar:

ClinVar aggregate classification (germline): Uncertain significance (1 of 4 stars; one submission).

Conditions:
Autoimmune lymphoproliferative syndrome type 2A (ALPS2A). Also called: CASP10-Related Autoimmune Lymphoproliferative Syndrome; AUTOIMMUNE LYMPHOPROLIFERATIVE SYNDROME, TYPE IIA; Autoimmune lymphoproliferative syndrome type 2. Identifiers: Orphanet 3261, MedGen C1858968, MONDO:0011383, OMIM 603909.

gnomAD v4.1: 11 of 1,612,474 alleles (0.00068%); highest among the groups gnomAD compares: South Asian, 0.0011%; no homozygotes.

Submission:

Labcorp Genetics (formerly Invitae), Labcorp
Classification: Uncertain significance for Autoimmune lymphoproliferative syndrome type 2A. Last evaluated: 2025-09-13. Review status: criteria provided, single submitter. Criteria: Invitae Variant Classification Sherloc (09022015). Collection method: clinical testing. Allele origin: germline.
Comment: This sequence change replaces lysine, which is basic and polar, with arginine, which is basic and polar, at codon 99 of the CASP10 protein (p.Lys99Arg). This variant is present in population databases (no rsID available, gnomAD 0.003%). This variant has not been reported in the literature in individuals affected with CASP10-related conditions. Invitae Evidence Modeling of protein sequence and biophysical properties (such as structural, functional, and spatial information, amino acid conservation, physicochemical variation, residue mobility, and thermodynamic stability) indicates that this missense variant is not expected to disrupt CASP10 protein function with a negative predictive value of 80%. In summary, the available evidence is currently insufficient to determine the role of this variant in disease. Therefore, it has been classified as a Variant of Uncertain Significance.

NM_032977.4(CASP10):c.296A>G (p.Lys99Arg)

Gene: CASP10 (caspase 10; plus strand). Cytogenetic location: 2q33.1.
Variant type: single nucleotide variant.
Coding change: c.296A>G on transcript NM_032977.4 (MANE Select); coding-DNA position 296, A replaced by G.
Protein change: p.Lys99Arg; replaces lysine 99 with arginine.
Molecular consequence: missense variant.
Genome position (GRCh38, 1-based): chr2:201,186,073, A>G. VCF-style: chr2-201186073-A-G. GRCh37 (hg19) VCF-style: chr2-202050796-A-G.
Other names: c.296A>G, p.Lys99Arg (NM_001230.5, NM_001306083.2, NM_032974.5 and 3 more transcripts); short protein forms K99R.
Identifiers: ClinVar variation 4782905 (VCV004782905.1).